The following is an entry in ClinVar:

NM_030973.4(MED25):c.107G>T (p.Arg36Leu)

Gene: MED25 (mediator complex subunit 25; plus strand). Cytogenetic location: 19q13.33.
Variant type: single nucleotide variant.
Coding change: c.107G>T on transcript NM_030973.4 (MANE Select); coding-DNA position 107, G replaced by T.
Protein change: p.Arg36Leu; replaces arginine 36 with leucine.
Molecular consequence: missense variant.
Genome position (GRCh38, 1-based): chr19:49,818,448, G>T. VCF-style: chr19-49818448-G-T. GRCh37 (hg19) VCF-style: chr19-50321705-G-T.
Other names: c.107G>T, p.Arg36Leu (NM_001378355.1); short protein forms R36L.
Identifiers: ClinVar variation 644714 (VCV000644714.8), dbSNP rs1555800954, ClinGen allele CA406908669.

ClinVar aggregate classification (germline): Uncertain significance (1 of 4 stars; one submission).

Conditions:
Charcot-Marie-Tooth disease type 2. Also called: Charcot-Marie-Tooth type 2. Identifiers: Orphanet 64746, MedGen C0270914, MONDO:0018993.

gnomAD v4.1: 2 of 1,614,156 alleles (0.00012%); highest among the groups gnomAD compares: Non-Finnish European, 0.00017%; no homozygotes.

Submission:

Labcorp Genetics (formerly Invitae), Labcorp
Classification: Uncertain significance for Charcot-Marie-Tooth disease type 2. Last evaluated: 2018-11-16. Review status: criteria provided, single submitter. Criteria: Invitae Variant Classification Sherloc (09022015). Collection method: clinical testing. Allele origin: germline.
Comment: In summary, the available evidence is currently insufficient to determine the role of this variant in disease. Therefore, it has been classified as a Variant of Uncertain Significance. Algorithms developed to predict the effect of missense changes on protein structure and function are either unavailable or do not agree on the potential impact of this missense change (SIFT: "Tolerated"; PolyPhen-2: "Probably Damaging"; Align-GVGD: "Class C0"). This variant has not been reported in the literature in individuals with MED25-related disease. This variant is not present in population databases (ExAC no frequency). This sequence change replaces arginine with leucine at codon 36 of the MED25 protein (p.Arg36Leu). The arginine residue is moderately conserved and there is a moderate physicochemical difference between arginine and leucine.